The following is an entry in ClinVar:

NM_001829.4(CLCN3):c.161-19643G>A

Gene: CLCN3 (Cl-/H+ antiporter 3; plus strand). Cytogenetic location: 4q33.
Variant type: single nucleotide variant.
Coding change: c.161-19643G>A on transcript NM_001829.4 (MANE Select); 19643 bases into the intron before coding-DNA position 161, G replaced by A.
Molecular consequence: intron variant. On other transcripts: missense variant (1).
Genome position (GRCh38, 1-based): chr4:169,660,407, G>A. VCF-style: chr4-169660407-G-A. GRCh37 (hg19) VCF-style: chr4-170581558-G-A.
Other names: c.38G>A, p.Gly13Glu (NM_001243374.2); c.161-19643G>A (NM_173872.4, NM_001243372.2); short protein forms G13E.
Identifiers: ClinVar variation 4886690 (VCV004886690.2).

ClinVar aggregate classification (germline): Uncertain significance (1 of 4 stars; one submission).

Submission:

Dasa
Classification: Uncertain significance. Last evaluated: 2026-04-22. Review status: criteria provided, single submitter. Criteria: DASA Assertion Criteria. Collection method: clinical testing. Allele origin: germline.
Comment: NM_001243374.2(CLCN3):c.38G>A (p.Gly13Glu) is a missense variant that results in the substitution of glycine with glutamic acid. This variant is rare in population databases. The currently available literature and clinical evidence are not sufficient to establish a definitive association between this variant and the reported condition. Therefore, this variant is classified as a variant of uncertain significance.